The following is an entry in ClinVar:

NM_015073.3(SIPA1L3):c.3897C>A (p.Asp1299Glu)

Gene: SIPA1L3 (signal induced proliferation associated 1 like 3; plus strand). Cytogenetic location: 19q13.13.
Variant type: single nucleotide variant.
Coding change: c.3897C>A on transcript NM_015073.3 (MANE Select); coding-DNA position 3897, C replaced by A.
Protein change: p.Asp1299Glu; replaces aspartic acid 1299 with glutamic acid.
Molecular consequence: missense variant.
Genome position (GRCh38, 1-based): chr19:38,164,595, C>A. VCF-style: chr19-38164595-C-A. GRCh37 (hg19) VCF-style: chr19-38655235-C-A.
Other names: short protein forms D1299E.
Identifiers: ClinVar variation 737508 (VCV000737508.13), dbSNP rs142602797, ClinGen allele CA9410150.
Genomic context (GRCh38, chr19:38,164,595, plus strand): 5'-CAGCAGCCACAGCGACGACCGCTGGTTCGACCCCCTGGACCCCCTGGAGCCAGAGCAAGA[C>A]CCCCTCTCCAAGGGTGGCTCTAGTGACAGCGGCATCGACACCACCCTCTACACCTCCAGC-3'
Protein context (NP_055888.1, residues 1289-1309): DPLDPLEPEQ[Asp1299Glu]PLSKGGSSDS

ClinVar aggregate classification (germline): Benign/Likely benign. Review status: criteria provided, multiple submitters, no conflicts (2 of 4 stars). 4 submissions from 4 submitters: Benign (2); Likely benign (1). 1 of the submissions does not count toward it. Last evaluated 2024-11-20.

Conditions:
SIPA1L3-related disorder. Also called: SIPA1L3-related condition.

Allele frequency attached by ClinVar (database versions not stated): ESP Exome Variant Server 0.00046; TOPMed 0.00116; gnomAD 0.00121 and 0.00147; 1000 Genomes Project 30x 0.00187; 1000 Genomes Project 0.00200; ExAC 0.00217; gnomAD exomes 0.00233.
gnomAD v4.1: 2,052 of 1,614,166 alleles (0.13%); highest among the groups gnomAD compares: East Asian, 2.3%; 12 homozygotes.

Submissions (4):

Blueprint Genetics
Classification: Likely benign. Last evaluated: 2024-11-20. Review status: criteria provided, single submitter. Criteria: ACMG Guidelines, 2015. Collection method: clinical testing. Allele origin: germline.

Labcorp Genetics (formerly Invitae), Labcorp
Classification: Benign. Last evaluated: 2024-01-18. Review status: criteria provided, single submitter. Criteria: Invitae Variant Classification Sherloc (09022015). Collection method: clinical testing. Allele origin: germline.

Breakthrough Genomics
Classification: Benign. Review status: criteria provided, single submitter. Criteria: ACMG Guidelines, 2015. Collection method: not provided. Allele origin: germline. Inheritance: Autosomal recessive inheritance. Affected: yes.

PreventionGenetics, part of Exact Sciences
Classification: Benign for SIPA1L3-related condition. Last evaluated: 2023-09-13. Review status: no assertion criteria provided. Collection method: clinical testing. Allele origin: germline. Not counted in ClinVar's aggregate classification.
Comment: This variant is classified as benign based on ACMG/AMP sequence variant interpretation guidelines (Richards et al. 2015 PMID: 25741868, with internal and published modifications).